The following is an entry in ClinVar:

ClinVar aggregate classification (germline): Uncertain significance (1 of 4 stars; one submission).

Conditions:
Hypogonadism. Identifiers: MedGen C0020619, MONDO:0002146, HP:0000135.

Allele frequency attached by ClinVar (database versions not stated): ExAC 0.00004; TOPMed 0.00005; gnomAD 0.00006; gnomAD exomes 0.00007 and 0.00030.
gnomAD v4.1: 434 of 1,613,874 alleles (0.027%); highest among the groups gnomAD compares: Non-Finnish European, 0.036%; no homozygotes.

Submission:

Molecular Genetics, Royal Melbourne Hospital
Classification: Uncertain significance for Hypogonadism. Last evaluated: 2021-06-17. Review status: criteria provided, single submitter. Criteria: ACMG Guidelines, 2015. Collection method: clinical testing. Allele origin: germline. Affected: yes.
Comment: This sequence change is predicted to replace isoleucine with methionine at codon 457 of the IL17RD protein (p.(Ile457Met)). The isoleucine residue is highly conserved (100 vertebrates, UCSC), and is located in the SEFIR domain. There is a small physicochemical difference between isoleucine and methionine. The variant is present in a large population cohort at a frequency of 0.007%, which is consistent with a recessive condition (19/282,542 alleles, 0 homozygotes in gnomAD v2.1). The variant has been identified in an individual with congenital hypopituitarism with likely pathogenic variants in other genes (10.3266/RevEspEndocrinolPediatr.pre2019.Apr.521). Multiple lines of computational evidence have conflicting predictions for the missense substitution (4/6 algorithms predict deleterious). Based on the classification scheme RMH Modified ACMG Guidelines v1.3.2, this variant is classified as a VARIANT OF UNCERTAIN SIGNIFICANCE. Following criteria are met: PM2_Supporting.

NM_017563.5(IL17RD):c.1371T>G (p.Ile457Met)

Genes: IL17RD (interleukin 17 receptor D; minus strand), LOC126806689 (BRD4-independent group 4 enhancer GRCh37_chr3:57131244-57132443; plus strand). Cytogenetic location: 3p14.3.
Variant type: single nucleotide variant.
Coding change: c.1371T>G on transcript NM_017563.5 (MANE Select); coding-DNA position 1371, T replaced by G.
Protein change: p.Ile457Met; replaces isoleucine 457 with methionine.
Molecular consequence: missense variant.
Genome position (GRCh38, 1-based): chr3:57,098,332, A>C on the plus strand (T>G on the coding strand, the complement: IL17RD is on the minus strand). VCF-style: chr3-57098332-A-C. GRCh37 (hg19) VCF-style: chr3-57132360-A-C.
Other names: c.939T>G, p.Ile313Met (NM_001318864.2); short protein forms I313M, I457M.
Identifiers: ClinVar variation 1676256 (VCV001676256.2), dbSNP rs750720050, ClinGen allele CA2462754.